The following is an entry in ClinVar:

ClinVar aggregate classification (germline): Uncertain significance (1 of 4 stars; one submission).

Conditions:
Developmental and epileptic encephalopathy 94 (DEE94). Also called: CHD2-Related Neurodevelopmental Disorders; Epileptic encephalopathy, childhood-onset. Identifiers: Orphanet 1942, Orphanet 2382, MedGen C3809278, MONDO:0014150, OMIM 615369.

gnomAD v4.1: 2 of 1,614,220 alleles (0.00012%); highest among the groups gnomAD compares: South Asian, 0.0011%; no homozygotes.

Submission:

Labcorp Genetics (formerly Invitae), Labcorp
Classification: Uncertain significance for Developmental and epileptic encephalopathy 94. Last evaluated: 2025-07-27. Review status: criteria provided, single submitter. Criteria: Invitae Variant Classification Sherloc (09022015). Collection method: clinical testing. Allele origin: germline.
Comment: This sequence change replaces serine, which is neutral and polar, with phenylalanine, which is neutral and non-polar, at codon 1764 of the CHD2 protein (p.Ser1764Phe). This variant is not present in population databases (gnomAD no frequency). This variant has not been reported in the literature in individuals affected with CHD2-related conditions. ClinVar contains an entry for this variant (Variation ID: 2793449). Invitae Evidence Modeling of protein sequence and biophysical properties (such as structural, functional, and spatial information, amino acid conservation, physicochemical variation, residue mobility, and thermodynamic stability) indicates that this missense variant is not expected to disrupt CHD2 protein function with a negative predictive value of 95%. In summary, the available evidence is currently insufficient to determine the role of this variant in disease. Therefore, it has been classified as a Variant of Uncertain Significance.

NM_001271.4(CHD2):c.5291C>T (p.Ser1764Phe)

Gene: CHD2 (chromodomain helicase DNA binding protein 2; plus strand). Cytogenetic location: 15q26.1.
Variant type: single nucleotide variant.
Coding change: c.5291C>T on transcript NM_001271.4 (MANE Select); coding-DNA position 5291, C replaced by T.
Protein change: p.Ser1764Phe; replaces serine 1764 with phenylalanine.
Molecular consequence: missense variant.
Genome position (GRCh38, 1-based): chr15:93,024,509, C>T. VCF-style: chr15-93024509-C-T. GRCh37 (hg19) VCF-style: chr15-93567739-C-T.
Other names: short protein forms S1764F.
Identifiers: ClinVar variation 2793449 (VCV002793449.3), dbSNP rs1261364517, ClinGen allele CA393908478.